The following is an entry in ClinVar:

NM_001291303.3(FAT4):c.9606C>T (p.Phe3202=)

Gene: FAT4 (FAT atypical cadherin 4; plus strand). Cytogenetic location: 4q28.1.
Variant type: single nucleotide variant.
Coding change: c.9606C>T on transcript NM_001291303.3 (MANE Select); coding-DNA position 9606, C replaced by T.
Protein change: p.Phe3202=; no amino-acid change (phenylalanine 3202 retained).
Molecular consequence: synonymous variant.
Genome position (GRCh38, 1-based): chr4:125,450,616, C>T. VCF-style: chr4-125450616-C-T. GRCh37 (hg19) VCF-style: chr4-126371771-C-T.
Other names: c.9606C>T, p.Phe3202= (NM_001291285.3); c.9600C>T, p.Phe3200= (NM_024582.6).
Identifiers: ClinVar variation 1656624 (VCV001656624.32), dbSNP rs758295187, ClinGen allele CA3073555.

ClinVar aggregate classification (germline): Likely benign. Review status: criteria provided, multiple submitters, no conflicts (2 of 4 stars). 2 submissions from 2 submitters: Likely benign (2). Last evaluated 2026-01-07.

Allele frequency attached by ClinVar (database versions not stated): ExAC 0.00001; gnomAD exomes 0.00001 and below 0.00001; TOPMed 0.00001.
gnomAD v4.1: 20 of 1,614,042 alleles (0.0012%); highest among the groups gnomAD compares: Non-Finnish European, 0.0015%; no homozygotes.

Submissions (2):

Labcorp Genetics (formerly Invitae), Labcorp
Classification: Likely benign. Last evaluated: 2026-01-07. Review status: criteria provided, single submitter. Criteria: Invitae Variant Classification Sherloc (09022015). Collection method: clinical testing. Allele origin: germline.

CeGaT Center for Human Genetics Tuebingen
Classification: Likely benign. Last evaluated: 2022-12-01. Review status: criteria provided, single submitter. Criteria: CeGaT Center For Human Genetics Tuebingen Variant Classification Criteria Version 2. Collection method: clinical testing. Allele origin: germline. Affected: yes. Observed: 1 variant allele.
Comment: FAT4: BP4, BP7